The following is an entry in ClinVar:

NM_182943.3(PLOD2):c.1567G>A (p.Val523Ile)

Gene: PLOD2 (procollagen-lysine,2-oxoglutarate 5-dioxygenase 2; minus strand). Cytogenetic location: 3q24.
Variant type: single nucleotide variant.
Coding change: c.1567G>A on transcript NM_182943.3 (MANE Select); coding-DNA position 1567, G replaced by A.
Protein change: p.Val523Ile; replaces valine 523 with isoleucine.
Molecular consequence: missense variant.
Genome position (GRCh38, 1-based): chr3:146,076,892, C>T on the plus strand (G>A on the coding strand, the complement: PLOD2 is on the minus strand). VCF-style: chr3-146076892-C-T. GRCh37 (hg19) VCF-style: chr3-145794679-C-T.
Other names: c.1504G>A, p.Val502Ile (NM_000935.3); short protein forms V523I, V502I.
Identifiers: ClinVar variation 1915022 (VCV001915022.5), dbSNP rs1285399632, ClinGen allele CA354887085.
Genomic context (GRCh38, chr3:146,076,892, plus strand): 5'-TGTAATTAGCAGTGGATAATAGCCTTCCAAATTCATGTCTATTAGAAATGTACATAAATA[C>T]ACCCTATATGCCAGAAAATAACAGTATTAATCTTAGAGGTAGGTACAAAAGTAAATTTAA-3'
Protein context (NP_891988.1, residues 513-533): TFQMLSPPKG[Val523Ile]FMYISNRHEF

ClinVar aggregate classification (germline): Uncertain significance (1 of 4 stars; one submission).

Allele frequency attached by ClinVar (database versions not stated): gnomAD 0.00001; TOPMed 0.00001.
gnomAD v4.1: 3 of 1,519,068 alleles (0.0002%); highest among the groups gnomAD compares: African/African-American, 0.0014%; no homozygotes.

Submission:

Labcorp Genetics (formerly Invitae), Labcorp
Classification: Uncertain significance. Last evaluated: 2022-08-15. Review status: criteria provided, single submitter. Criteria: Invitae Variant Classification Sherloc (09022015). Collection method: clinical testing. Allele origin: germline.
Comment: This sequence change replaces valine, which is neutral and non-polar, with isoleucine, which is neutral and non-polar, at codon 523 of the PLOD2 protein (p.Val523Ile). This variant is present in population databases (no rsID available, gnomAD 0.004%). This variant has not been reported in the literature in individuals affected with PLOD2-related conditions. Algorithms developed to predict the effect of missense changes on protein structure and function (SIFT, PolyPhen-2, Align-GVGD) all suggest that this variant is likely to be tolerated. In summary, the available evidence is currently insufficient to determine the role of this variant in disease. Therefore, it has been classified as a Variant of Uncertain Significance.